The following is an entry in ClinVar:

ClinVar aggregate classification (germline): Uncertain significance. Review status: criteria provided, multiple submitters, no conflicts (2 of 4 stars). 2 submissions from 2 submitters: Uncertain significance (2). Last evaluated 2024-04-30.

Allele frequency attached by ClinVar (database versions not stated): ExAC 0.00001.
gnomAD v4.1: 2 of 1,614,090 alleles (0.00012%); highest among the groups gnomAD compares: Non-Finnish European, 0.00017%; no homozygotes.

Submissions (2):

Women's Health and Genetics/Laboratory Corporation of America, LabCorp
Classification: Uncertain significance. Last evaluated: 2024-04-30. Review status: criteria provided, single submitter. Criteria: LabCorp Variant Classification Summary - May 2015. Collection method: clinical testing. Allele origin: germline.
Comment: Variant summary: ATP6V1B1 c.437A>G (p.Asp146Gly) results in a non-conservative amino acid change in the encoded protein sequence. Five of five in-silico tools predict a damaging effect of the variant on protein function. The variant allele was found at a frequency of 8e-06 in 251282 control chromosomes. The available data on variant occurrences in the general population are insufficient to allow any conclusion about variant significance. c.437A>G has been reported in the literature in individuals affected with Renal Tubular Acidosis, without strong evidence for causality (Nagara_2018). These report(s) do not provide unequivocal conclusions about association of the variant with Renal Tubular Acidosis With Progressive Nerve Deafness. To our knowledge, no experimental evidence demonstrating an impact on protein function has been reported. The following publication have been ascertained in the context of this evaluation (PMID: 29024829). ClinVar contains an entry for this variant (Variation ID: 2151934). Based on the evidence outlined above, the variant was classified as uncertain significance.

Labcorp Genetics (formerly Invitae), Labcorp
Classification: Uncertain significance. Last evaluated: 2022-02-19. Review status: criteria provided, single submitter. Criteria: Invitae Variant Classification Sherloc (09022015). Collection method: clinical testing. Allele origin: germline.
Comment: This sequence change replaces aspartic acid, which is acidic and polar, with glycine, which is neutral and non-polar, at codon 146 of the ATP6V1B1 protein (p.Asp146Gly). This variant is present in population databases (rs782681801, gnomAD 0.007%). This missense change has been observed in individual(s) with clinical features of ATP6V1B1-related conditions (PMID: 29024829). Algorithms developed to predict the effect of missense changes on protein structure and function are either unavailable or do not agree on the potential impact of this missense change (SIFT: "Deleterious"; PolyPhen-2: "Probably Damaging"; Align-GVGD: "Class C0"). In summary, the available evidence is currently insufficient to determine the role of this variant in disease. Therefore, it has been classified as a Variant of Uncertain Significance.

Literature cited by the submitters: PubMed 29024829 (cited by Women's Health and Genetics/Laboratory Corporation of America, LabCorp and Labcorp Genetics (formerly Invitae), Labcorp).

NM_001692.4(ATP6V1B1):c.437A>G (p.Asp146Gly)

Gene: ATP6V1B1 (ATPase H+ transporting V1 subunit B1; plus strand). Cytogenetic location: 2p13.3.
Variant type: single nucleotide variant.
Coding change: c.437A>G on transcript NM_001692.4 (MANE Select); coding-DNA position 437, A replaced by G.
Protein change: p.Asp146Gly; replaces aspartic acid 146 with glycine.
Molecular consequence: missense variant.
Genome position (GRCh38, 1-based): chr2:70,959,087, A>G. VCF-style: chr2-70959087-A-G. GRCh37 (hg19) VCF-style: chr2-71186217-A-G.
Other names: short protein forms D146G.
Identifiers: ClinVar variation 2151934 (VCV002151934.2), dbSNP rs782681801, ClinGen allele CA1701045.